The following is an entry in ClinVar:

ClinVar aggregate classification (germline): Uncertain significance (1 of 4 stars; one submission).

Conditions:
Leigh syndrome (NULS). Also called: Leigh's necrotizing encephalopathy; Leigh's disease; Leigh Syndrome (mtDNA deletion); Leigh Disease; Subacute necrotizing encephalopathy; Necrotizing encephalopathy infantile subacute of Leigh. Identifiers: Orphanet 506, MedGen C2931891, MONDO:0009723, OMIM 256000.

Submission:

Wong Mito Lab, Molecular and Human Genetics, Baylor College of Medicine
Classification: Uncertain significance for Leigh syndrome. Last evaluated: 2019-10-17. Review status: criteria provided, single submitter. Criteria: Modified ACMG Guidelines (Unpublished). Collection method: clinical testing. Allele origin: germline.
Comment: The NC_012920.1:m.8728T>C (YP_003024031.1:p.Trp68Arg) variant in MTATP6 gene is interpretated to be a Uncertain Significance variant based on the modified ACMG guidelines (unpublished). This variant meets the following evidence codes: PP7

NC_012920.1(MT-ATP6):m.8728T>C

Gene: MT-ATP6 (mitochondrially encoded ATP synthase 6; plus strand).
Variant type: single nucleotide variant.
Genome position: chrM-8728-T-C.
Identifiers: ClinVar variation 692967 (VCV000692967.1), dbSNP rs1603221742, ClinGen allele CA414797692.